The following is an entry in ClinVar:

NM_001042492.3(NF1):c.6855del (p.Thr2284_Tyr2285insTer)

Gene: NF1 (neurofibromin 1; plus strand). Cytogenetic location: 17q11.2.
Variant type: Deletion.
Coding change: c.6855del on transcript NM_001042492.3 (MANE Select); coding-DNA position 6855, one base deleted (C; older notation c.6855delC).
Protein change: p.Thr2284_Tyr2285insTer.
Molecular consequence: nonsense. On other transcripts: frameshift variant (1).
Genome position (GRCh38, 1-based): chr17:31,338,739, C deleted. VCF-style (leftmost placement, unchanged base first): chr17-31338738-AC-A. GRCh37 (hg19) VCF-style: chr17-29665756-AC-A.
Other names: c.6792delC, p.Tyr2264Terfs (NM_000267.4); c.6792delC (NM_000267.3).
Identifiers: ClinVar variation 457810 (VCV000457810.5), dbSNP rs1555535042, ClinGen allele CA658658591.

ClinVar aggregate classification (germline): Pathogenic (1 of 4 stars; one submission).

Conditions:
Neurofibromatosis, type 1 (NF1). Also called: VON RECKLINGHAUSEN DISEASE; NEUROFIBROMATOSIS, TYPE I, SOMATIC; Peripheral type neurofibromatosis; Neurofibromatosis, type I. Identifiers: Orphanet 636, MedGen C0027831, MONDO:0018975, OMIM 162200. Disease mechanism: loss of function.

Submission:

Labcorp Genetics (formerly Invitae), Labcorp
Classification: Pathogenic for Neurofibromatosis, type 1. Last evaluated: 2022-03-04. Review status: criteria provided, single submitter. Criteria: Invitae Variant Classification Sherloc (09022015). Collection method: clinical testing. Allele origin: germline.
Comment: For these reasons, this variant has been classified as Pathogenic. Algorithms developed to predict the effect of sequence changes on RNA splicing suggest that this variant may disrupt the consensus splice site. ClinVar contains an entry for this variant (Variation ID: 457810). This variant has not been reported in the literature in individuals affected with NF1-related conditions. This variant is not present in population databases (gnomAD no frequency). This sequence change creates a premature translational stop signal (p.Tyr2264*) in the NF1 gene. It is expected to result in an absent or disrupted protein product. Loss-of-function variants in NF1 are known to be pathogenic (PMID: 10712197, 23913538).

Literature cited by the submitters: PubMed 10712197; PubMed 23913538.